The following is an entry in ClinVar:

ClinVar aggregate classification (germline): Uncertain significance. Review status: criteria provided, multiple submitters, no conflicts (2 of 4 stars). 3 submissions from 3 submitters: Uncertain significance (3). Last evaluated 2025-05-08.

Allele frequency attached by ClinVar (database versions not stated): gnomAD exomes 0.00006 and 0.00013; ExAC 0.00007; ESP Exome Variant Server 0.00015.
gnomAD v4.1: 197 of 1,613,602 alleles (0.012%); highest among the groups gnomAD compares: Non-Finnish European, 0.016%; no homozygotes.

Submissions (3):

Labcorp Genetics (formerly Invitae), Labcorp
Classification: Uncertain significance. Last evaluated: 2025-05-08. Review status: criteria provided, single submitter. Criteria: Invitae Variant Classification Sherloc (09022015). Collection method: clinical testing. Allele origin: germline.
Comment: This sequence change replaces serine, which is neutral and polar, with cysteine, which is neutral and slightly polar, at codon 135 of the SPP2 protein (p.Ser135Cys). This variant is present in population databases (rs150395122, gnomAD 0.01%). This variant has not been reported in the literature in individuals affected with SPP2-related conditions. ClinVar contains an entry for this variant (Variation ID: 1477748). An algorithm developed to predict the effect of missense changes on protein structure and function (PolyPhen-2) suggests that this variant is likely to be disruptive. In summary, the available evidence is currently insufficient to determine the role of this variant in disease. Therefore, it has been classified as a Variant of Uncertain Significance.

Blueprint Genetics
Classification: Uncertain significance. Last evaluated: 2022-12-05. Review status: criteria provided, single submitter. Criteria: ACMG Guidelines, 2015. Collection method: clinical testing. Allele origin: germline.

Ambry Genetics
Classification: Uncertain significance. Last evaluated: 2021-07-15. Review status: criteria provided, single submitter. Criteria: Ambry Variant Classification Scheme 2023. Collection method: clinical testing. Allele origin: germline.

NM_006944.3(SPP2):c.403A>T (p.Ser135Cys)

Gene: SPP2 (secreted phosphoprotein 2; plus strand). Cytogenetic location: 2q37.1.
Variant type: single nucleotide variant.
Coding change: c.403A>T on transcript NM_006944.3 (MANE Select); coding-DNA position 403, A replaced by T.
Protein change: p.Ser135Cys; replaces serine 135 with cysteine.
Molecular consequence: missense variant.
Genome position (GRCh38, 1-based): chr2:234,060,438, A>T. VCF-style: chr2-234060438-A-T. GRCh37 (hg19) VCF-style: chr2-234969082-A-T.
Other names: c.403A>T (NM_006944.2); short protein forms S135C.
Identifiers: ClinVar variation 1477748 (VCV001477748.8), dbSNP rs150395122, ClinGen allele CA2183185.